The following is an entry in ClinVar:

NM_001370259.2(MEN1):c.317_318del (p.Tyr106fs)

Gene: MEN1 (menin 1; minus strand). Cytogenetic location: 11q13.1.
Variant type: Deletion.
Coding change: c.317_318del on transcript NM_001370259.2 (MANE Select); coding-DNA positions 317 to 318, 2 bases deleted (AT; older notation c.317_318delAT).
Protein change: p.Tyr106fs; shifts the reading frame from tyrosine 106.
Molecular consequence: frameshift variant.
Genome position (GRCh38, 1-based): chr11:64,809,792-64,809,793, AT deleted on the plus strand (AT on the coding strand, the reverse complement: MEN1 is on the minus strand); deleting any 2 consecutive bases within chr11:64,809,792-64,809,794 gives the same sequence; the c. name uses the placement nearest the transcript's 3' end. VCF-style (leftmost placement, unchanged base first): chr11-64809791-GAT-G. GRCh37 (hg19) VCF-style: chr11-64577263-GAT-G.
Other names: c.317_318delAT (NM_130799.2); c.317_318del, p.Tyr106fs (NM_000244.4, NM_001370251.2, NM_001370260.2 and 9 more transcripts); short protein forms Y106fs.
Identifiers: ClinVar variation 457321 (VCV000457321.9), dbSNP rs1555166466, ClinGen allele CA658658068.

ClinVar aggregate classification (germline): Pathogenic (1 of 4 stars; one submission).

Conditions:
Multiple endocrine neoplasia, type 1 (MEN1). Also called: MEN I; WERMER SYNDROME; Endocrine adenomatosis multiple; MEN 1; MEA I. Identifiers: Orphanet 652, MedGen C0025267, MeSH D018761, MONDO:0007540, OMIM 131100.

Submission:

Labcorp Genetics (formerly Invitae), Labcorp
Classification: Pathogenic for Multiple endocrine neoplasia, type 1. Last evaluated: 2017-04-21. Review status: criteria provided, single submitter. Criteria: Invitae Variant Classification Sherloc (09022015). Collection method: clinical testing. Allele origin: germline.
Comment: This sequence change deletes 2 nucleotides from exon 2 of the MEN1 mRNA (c.317_318delAT), causing a frameshift at codon 106. This creates a premature translational stop signal (p.Tyr106Serfs*10) and is expected to result in an absent or disrupted protein product. For these reasons, this variant has been classified as Pathogenic. Loss-of-function variants in MEN1 are known to be pathogenic. This particular variant has been reported in the literature in a family affected with multiple endocrine neoplasia 1 (PMID: 10090472).

Literature cited by the submitters: PubMed 10090472.